The following is an entry in ClinVar:

NM_020461.4(TUBGCP6):c.749C>T (p.Pro250Leu)

Gene: TUBGCP6 (tubulin gamma complex component 6; minus strand). Cytogenetic location: 22q13.33.
Variant type: single nucleotide variant.
Coding change: c.749C>T on transcript NM_020461.4 (MANE Select); coding-DNA position 749, C replaced by T.
Protein change: p.Pro250Leu; replaces proline 250 with leucine.
Molecular consequence: missense variant.
Genome position (GRCh38, 1-based): chr22:50,240,360, G>A on the plus strand (C>T on the coding strand, the complement: TUBGCP6 is on the minus strand). VCF-style: chr22-50240360-G-A. GRCh37 (hg19) VCF-style: chr22-50678789-G-A.
Other names: c.749C>T (NM_020461.3); short protein forms P250L.
Identifiers: ClinVar variation 1482284 (VCV001482284.6), dbSNP rs545409876, ClinGen allele CA10308951.
Genomic context (GRCh38, chr22:50,240,360, plus strand): 5'-GAATCAGGAGTCAAGTTGGACGCTGACTGGAATCCTTCGTCTTCCCACTGATCCACACTC[G>A]GTGGGACCTGGAGACACAGGGAAGGGCAAACCGCCACTTATTGCTGTGTCCACGTTTCAT-3'
Protein context (NP_065194.3, residues 240-260): DLSGLAIKVP[Pro250Leu]SVDQWEDEGF

ClinVar aggregate classification (germline): Uncertain significance. Review status: criteria provided, multiple submitters, no conflicts (2 of 4 stars). 2 submissions from 2 submitters: Uncertain significance (2). Last evaluated 2024-12-21.

Conditions:
Inborn genetic diseases. Identifiers: MedGen C0950123, MeSH D030342.

Allele frequency attached by ClinVar (database versions not stated): ExAC 0.00004.

Submissions (2):

Ambry Genetics
Classification: Uncertain significance for Inborn genetic diseases. Last evaluated: 2024-12-21. Review status: criteria provided, single submitter. Criteria: Ambry Variant Classification Scheme 2023. Collection method: clinical testing. Allele origin: germline.

Labcorp Genetics (formerly Invitae), Labcorp
Classification: Uncertain significance. Last evaluated: 2022-08-31. Review status: criteria provided, single submitter. Criteria: Invitae Variant Classification Sherloc (09022015). Collection method: clinical testing. Allele origin: germline.
Comment: This sequence change replaces proline, which is neutral and non-polar, with leucine, which is neutral and non-polar, at codon 250 of the TUBGCP6 protein (p.Pro250Leu). This variant is present in population databases (rs545409876, gnomAD 0.01%). This variant has not been reported in the literature in individuals affected with TUBGCP6-related conditions. ClinVar contains an entry for this variant (Variation ID: 1482284). Algorithms developed to predict the effect of missense changes on protein structure and function (SIFT, PolyPhen-2, Align-GVGD) all suggest that this variant is likely to be tolerated. In summary, the available evidence is currently insufficient to determine the role of this variant in disease. Therefore, it has been classified as a Variant of Uncertain Significance.